The following is an entry in ClinVar:

ClinVar aggregate classification (germline): Uncertain significance. Review status: criteria provided, multiple submitters, no conflicts (2 of 4 stars). 3 submissions from 3 submitters: Uncertain significance (3). Last evaluated 2025-11-11.

Conditions:
Left ventricular noncompaction 8 (LVNC8). Identifiers: Orphanet 154, Orphanet 54260, MedGen C3809288, MONDO:0014152, OMIM 615373.

Allele frequency attached by ClinVar (database versions not stated): gnomAD exomes below 0.00001 and 0.00002; ExAC 0.00001; gnomAD 0.00001 and 0.00002; TOPMed 0.00003; ESP Exome Variant Server 0.00008.
gnomAD v4.1: 28 of 1,613,538 alleles (0.0017%); highest among the groups gnomAD compares: East Asian, 0.0022%; no homozygotes.

Submissions (3):

Labcorp Genetics (formerly Invitae), Labcorp
Classification: Uncertain significance for Left ventricular noncompaction 8. Last evaluated: 2025-11-11. Review status: criteria provided, single submitter. Criteria: Invitae Variant Classification Sherloc (09022015). Collection method: clinical testing. Allele origin: germline.
Comment: This sequence change replaces glutamic acid, which is acidic and polar, with lysine, which is basic and polar, at codon 1031 of the PRDM16 protein (p.Glu1031Lys). The frequency data for this variant in the population databases is considered unreliable, as metrics indicate poor data quality at this position in the gnomAD database. This missense change has been observed in individual(s) with dilated cardiomyopathy (PMID: 32880476). ClinVar contains an entry for this variant (Variation ID: 999358). An algorithm developed to predict the effect of missense changes on protein structure and function (PolyPhen-2) suggests that this variant is likely to be tolerated. In summary, the available evidence is currently insufficient to determine the role of this variant in disease. Therefore, it has been classified as a Variant of Uncertain Significance.

GeneDx
Classification: Uncertain significance. Last evaluated: 2022-07-15. Review status: criteria provided, single submitter. Criteria: GeneDx Variant Classification Process June 2021. Collection method: clinical testing. Allele origin: germline. Affected: yes.
Comment: Not observed at significant frequency in large population cohorts (gnomAD); In silico analysis supports that this missense variant has a deleterious effect on protein structure/function; This variant is associated with the following publications: (PMID: 32880476)

Blueprint Genetics
Classification: Uncertain significance. Last evaluated: 2022-06-06. Review status: criteria provided, single submitter. Criteria: ACMG Guidelines, 2015. Collection method: clinical testing. Allele origin: germline.

Literature cited by the submitters: PubMed 32880476 (cited by Labcorp Genetics (formerly Invitae), Labcorp).

NM_022114.4(PRDM16):c.3091G>A (p.Glu1031Lys)

Gene: PRDM16 (PR/SET domain 16; plus strand). Cytogenetic location: 1p36.32.
Variant type: single nucleotide variant.
Coding change: c.3091G>A on transcript NM_022114.4 (MANE Select); coding-DNA position 3091, G replaced by A.
Protein change: p.Glu1031Lys; replaces glutamic acid 1031 with lysine.
Molecular consequence: missense variant.
Genome position (GRCh38, 1-based): chr1:3,425,732, G>A. VCF-style: chr1-3425732-G-A. GRCh37 (hg19) VCF-style: chr1-3342296-G-A.
Other names: c.3091G>A, p.Glu1031Lys (NM_199454.3); short protein forms E1031K.
Identifiers: ClinVar variation 999358 (VCV000999358.8), dbSNP rs373883664, ClinGen allele CA544701.